The following is an entry in ClinVar:

NM_012186.3(FOXE3):c.839C>G (p.Pro280Arg)

Genes: FOXE3 (forkhead box E3; plus strand), LINC01389 (long independently transcribed non-coding RNA 1389; minus strand). Cytogenetic location: 1p33.
Variant type: single nucleotide variant.
Coding change: c.839C>G on transcript NM_012186.3 (MANE Select); coding-DNA position 839, C replaced by G.
Protein change: p.Pro280Arg; replaces proline 280 with arginine.
Molecular consequence: missense variant.
Genome position (GRCh38, 1-based): chr1:47,417,154, C>G. VCF-style: chr1-47417154-C-G. GRCh37 (hg19) VCF-style: chr1-47882826-C-G.
Other names: c.839C>G (NM_012186.2); short protein forms P280R.
Identifiers: ClinVar variation 2179449 (VCV002179449.6), dbSNP rs1373839267, ClinGen allele CA340250827.

ClinVar aggregate classification (germline): Uncertain significance. Review status: criteria provided, multiple submitters, no conflicts (2 of 4 stars). 2 submissions from 2 submitters: Uncertain significance (2). Last evaluated 2025-04-17.

Conditions:
Anterior segment dysgenesis. Also called: Ocular anterior segment dysgenesis. Identifiers: Orphanet 88632, MedGen C1862839, MONDO:0019503, HP:0007700.
Congenital primary aphakia. Also called: Anterior segment dysgenesis 2, multiple subtypes; ANTERIOR SEGMENT DYSGENESIS 2. Identifiers: Orphanet 83461, MedGen C1853230, MONDO:0012456, OMIM 610256.
Cardiovascular phenotype. Identifiers: MedGen CN230736.

Allele frequency attached by ClinVar (database versions not stated): gnomAD 0.00001; TOPMed 0.00001.
gnomAD v4.1: 3 of 1,405,190 alleles (0.00021%); highest among the groups gnomAD compares: East Asian, 0.0063%; no homozygotes.

Submissions (2):

Labcorp Genetics (formerly Invitae), Labcorp
Classification: Uncertain significance for Anterior segment dysgenesis; Congenital primary aphakia. Last evaluated: 2025-04-17. Review status: criteria provided, single submitter. Criteria: Invitae Variant Classification Sherloc (09022015). Collection method: clinical testing. Allele origin: germline.
Comment: This sequence change replaces proline, which is neutral and non-polar, with arginine, which is basic and polar, at codon 280 of the FOXE3 protein (p.Pro280Arg). This variant is present in population databases (no rsID available, gnomAD 0.06%). This variant has not been reported in the literature in individuals affected with FOXE3-related conditions. ClinVar contains an entry for this variant (Variation ID: 2179449). An algorithm developed to predict the effect of missense changes on protein structure and function (PolyPhen-2) suggests that this variant is likely to be tolerated. In summary, the available evidence is currently insufficient to determine the role of this variant in disease. Therefore, it has been classified as a Variant of Uncertain Significance.

Ambry Genetics
Classification: Uncertain significance for Cardiovascular phenotype. Last evaluated: 2023-04-28. Review status: criteria provided, single submitter. Criteria: Ambry Variant Classification Scheme 2023. Collection method: clinical testing. Allele origin: germline.
Comment: The p.P280R variant (also known as c.839C>G), located in coding exon 1 of the FOXE3 gene, results from a C to G substitution at nucleotide position 839. The proline at codon 280 is replaced by arginine, an amino acid with dissimilar properties. This amino acid position is conserved. In addition, this alteration is predicted to be tolerated by in silico analysis. Since supporting evidence is limited at this time, the clinical significance of this alteration remains unclear.